The following is an entry in ClinVar:

ClinVar aggregate classification (germline): Uncertain significance (1 of 4 stars; one submission).

gnomAD v4.1: 5 of 1,613,672 alleles (0.00031%); no homozygotes.

Submission:

Labcorp Genetics (formerly Invitae), Labcorp
Classification: Uncertain significance. Last evaluated: 2024-12-24. Review status: criteria provided, single submitter. Criteria: Invitae Variant Classification Sherloc (09022015). Collection method: clinical testing. Allele origin: germline.
Comment: This sequence change falls in intron 8 of the CRYM gene. It does not directly change the encoded amino acid sequence of the CRYM protein. It affects a nucleotide within the consensus splice site. This variant is present in population databases (rs201883997, gnomAD 0.0009%). This variant has not been reported in the literature in individuals affected with CRYM-related conditions. Variants that disrupt the consensus splice site are a relatively common cause of aberrant splicing (PMID: 17576681, 9536098). Algorithms developed to predict the effect of sequence changes on RNA splicing suggest that this variant is not likely to affect RNA splicing. In summary, the available evidence is currently insufficient to determine the role of this variant in disease. Therefore, it has been classified as a Variant of Uncertain Significance.

Literature cited by the submitters: PubMed 17576681; PubMed 9536098.

NM_001376256.1(CRYM):c.795+6G>T

Gene: CRYM (crystallin mu; minus strand). Cytogenetic location: 16p12.2.
Variant type: single nucleotide variant.
Coding change: c.795+6G>T on transcript NM_001376256.1 (MANE Select); 6 bases into the intron after coding-DNA position 795, G replaced by T.
Molecular consequence: intron variant.
Genome position (GRCh38, 1-based): chr16:21,262,031, C>A on the plus strand (G>T on the coding strand, the complement: CRYM is on the minus strand). VCF-style: chr16-21262031-C-A. GRCh37 (hg19) VCF-style: chr16-21273352-C-A.
Other names: c.795+6G>T (NM_001888.5).
Identifiers: ClinVar variation 3607206 (VCV003607206.2).